The following is an entry in ClinVar:

ClinVar aggregate classification (germline): Uncertain significance (1 of 4 stars; one submission).

Allele frequency attached by ClinVar (database versions not stated): ExAC 0.00002; gnomAD exomes 0.00002; 1000 Genomes Project 30x 0.00031; 1000 Genomes Project 0.00040.
gnomAD v4.1: 12 of 534,642 alleles (0.0022%); highest among the groups gnomAD compares: Admixed American, 0.0058%; no homozygotes.

Submission:

Labcorp Genetics (formerly Invitae), Labcorp
Classification: Uncertain significance. Last evaluated: 2022-06-13. Review status: criteria provided, single submitter. Criteria: Invitae Variant Classification Sherloc (09022015). Collection method: clinical testing. Allele origin: germline.
Comment: Experimental studies and prediction algorithms are not available or were not evaluated, and the functional significance of this variant is currently unknown. This variant has not been reported in the literature in individuals affected with MIR204-related conditions. This variant is present in population databases (rs548588673, gnomAD 0.009%). This variant occurs in the MIR204 gene, which encodes an RNA molecule that does not result in a protein product. In summary, the available evidence is currently insufficient to determine the role of this variant in disease. Therefore, it has been classified as a Variant of Uncertain Significance.

NC_000009.12:g.70810067T>C

Genes: MIR204 (microRNA 204; minus strand), TRPM3 (transient receptor potential cation channel subfamily M member 3; minus strand). Cytogenetic location: 9q21.12.
Variant type: single nucleotide variant.
Molecular consequence: intron variant (on NM_001366145.2). On other transcripts: non-coding transcript variant (1).
Genome position: GRCh38 VCF-style: chr9-70810067-T-C. GRCh37 (hg19) VCF-style: chr9-73424983-T-C.
Other names: c.979+17780A>G (NM_001366143.2, NM_001366141.2, NM_001366142.2 and 1 more transcripts); c.973+17780A>G (NM_001366150.2, NM_001366151.2, NM_001007471.4 and 4 more transcripts); c.1048+1103A>G (NM_001366148.2, NM_001366152.2, NM_001366147.2); c.514+17780A>G (NM_206944.5, NM_020952.6, NM_206945.5 and 3 more transcripts); c.589+1103A>G (NM_206947.5, NM_206946.5, NM_001007470.3).
Identifiers: ClinVar variation 1903845 (VCV001903845.5), dbSNP rs548588673, ClinGen allele CA5078777.